The following is an entry in ClinVar:

NM_000311.5(PRNP):c.625G>A (p.Val209Met)

Gene: PRNP (prion protein (Kanno blood group); plus strand). Cytogenetic location: 20p13.
Variant type: single nucleotide variant.
Coding change: c.625G>A on transcript NM_000311.5 (MANE Select); coding-DNA position 625, G replaced by A.
Protein change: p.Val209Met; replaces valine 209 with methionine.
Molecular consequence: missense variant. On other transcripts: 3 prime UTR variant (1).
Genome position (GRCh38, 1-based): chr20:4,699,845, G>A. VCF-style: chr20-4699845-G-A. GRCh37 (hg19) VCF-style: chr20-4680491-G-A.
Other names: c.625G>A, p.Val209Met (NM_001080121.3, NM_001080122.3, NM_001080123.3 and 1 more transcripts); c.*314G>A (NM_001271561.3); short protein forms V209M.
Identifiers: ClinVar variation 1409171 (VCV001409171.6), dbSNP rs758820257, ClinGen allele CA9752112.
Genomic context (GRCh38, chr20:4,699,845, plus strand): 5'-GTCACCACAACCACCAAGGGGGAGAACTTCACCGAGACCGACGTTAAGATGATGGAGCGC[G>A]TGGTTGAGCAGATGTGTATCACCCAGTACGAGAGGGAATCTCAGGCCTATTACCAGAGAG-3'
Protein context (NP_000302.1, residues 199-219): TETDVKMMER[Val209Met]VEQMCITQYE

ClinVar aggregate classification (germline): Uncertain significance (1 of 4 stars; one submission).

Conditions:
Huntington disease-like 1 (HDL1). Also called: HUNTINGTON-LIKE NEURODEGENERATIVE DISORDER 1; HUNTINGTON-LIKE NEURODEGENERATIVE DISORDER, AUTOSOMAL DOMINANT; PRION DISEASE, EARLY-ONSET, WITH PROMINENT PSYCHIATRIC FEATURES. Identifiers: Orphanet 157941, MedGen C1864112, MONDO:0011299, OMIM 603218.

Allele frequency attached by ClinVar (database versions not stated): TOPMed below 0.00001; gnomAD 0.00001; ExAC 0.00002; gnomAD exomes 0.00002.
gnomAD v4.1: 17 of 1,613,590 alleles (0.0011%); highest among the groups gnomAD compares: South Asian, 0.0022%; no homozygotes.

Submission:

Labcorp Genetics (formerly Invitae), Labcorp
Classification: Uncertain significance for Huntington disease-like 1. Last evaluated: 2022-01-12. Review status: criteria provided, single submitter. Criteria: Invitae Variant Classification Sherloc (09022015). Collection method: clinical testing. Allele origin: germline.
Comment: In summary, the available evidence is currently insufficient to determine the role of this variant in disease. Therefore, it has been classified as a Variant of Uncertain Significance. Experimental studies have shown that this missense change does not substantially affect PRNP function (PMID: 23871665). Algorithms developed to predict the effect of missense changes on protein structure and function output the following: SIFT: "Deleterious"; PolyPhen-2: "Benign"; Align-GVGD: "Class C0". The methionine amino acid residue is found in multiple mammalian species, which suggests that this missense change does not adversely affect protein function. This missense change has been observed in individual(s) with clinical features of PRNP-related conditions (PMID: 20583301). This variant is present in population databases (rs758820257, gnomAD 0.003%). This sequence change replaces valine, which is neutral and non-polar, with methionine, which is neutral and non-polar, at codon 209 of the PRNP protein (p.Val209Met).

Literature cited by the submitters: PubMed 23871665; PubMed 20583301.